The following is an entry in ClinVar:

NM_000433.4(NCF2):c.1523_1524del (p.Lys508fs)

Gene: NCF2 (neutrophil cytosolic factor 2; minus strand). Cytogenetic location: 1q25.3.
Variant type: Deletion.
Coding change: c.1523_1524del on transcript NM_000433.4 (MANE Select); coding-DNA positions 1523 to 1524, 2 bases deleted (AA; older notation c.1523_1524delAA).
Protein change: p.Lys508fs; shifts the reading frame from lysine 508.
Molecular consequence: frameshift variant.
Genome position (GRCh38, 1-based): chr1:183,556,175-183,556,176, TT deleted on the plus strand (AA on the coding strand, the reverse complement: NCF2 is on the minus strand); deleting any 2 consecutive bases within chr1:183,556,175-183,556,177 gives the same sequence; the c. name uses the placement nearest the transcript's 3' end. VCF-style (leftmost placement, unchanged base first): chr1-183556174-CTT-C. GRCh37 (hg19) VCF-style: chr1-183525309-CTT-C.
Other names: c.1523_1524del, p.Lys508fs (NM_001127651.3); c.1280_1281del, p.Lys427fs (NM_001190789.2); c.1388_1389del, p.Lys463fs (NM_001190794.2); c.1414_1415delAA, p.Lys472Serfs (NM_001410895.1); short protein forms K508fs, K427fs, K463fs.
Identifiers: ClinVar variation 1905916 (VCV001905916.2), dbSNP rs772569356, ClinGen allele CA1211954239.
Genomic context (GRCh38, chr1:183,556,174, plus strand): 5'-CATCCTAGACTTCTCTCCGAGTGCTTTCCAAATCTGTAGTTGCGCAGTCTTCAACAAAAA[CTT>C]TGGGGAAAATGCCCACCTTCCCTTTGCACTCCCCTTCCAGCCATTCTTCATTCACTGATA-3'

ClinVar aggregate classification (germline): Uncertain significance (1 of 4 stars; one submission).

Conditions:
Granulomatous disease, chronic, autosomal recessive, cytochrome b-positive, type 2. Also called: Chronic Granulomatous Disease, Autosomal Recessive, Cytochrome b-Positive, Type II; CGD, AUTOSOMAL RECESSIVE CYTOCHROME b-POSITIVE, TYPE II; GRANULOMATOUS DISEASE, CHRONIC, AUTOSOMAL RECESSIVE, 2; Chronic granulomatous disease due to deficiency of NCF-2; GRANULOMATOUS DISEASE, CHRONIC, DUE TO NCF2 DEFICIENCY. Identifiers: Orphanet 379, MedGen C1856245, MONDO:0009310, OMIM 233710.

Submission:

Labcorp Genetics (formerly Invitae), Labcorp
Classification: Uncertain significance for Granulomatous disease, chronic, autosomal recessive, cytochrome b-positive, type 2. Last evaluated: 2022-05-06. Review status: criteria provided, single submitter. Criteria: Invitae Variant Classification Sherloc (09022015). Collection method: clinical testing. Allele origin: germline.
Comment: This sequence change creates a premature translational stop signal (p.Lys508Serfs*4) in the NCF2 gene. While this is not anticipated to result in nonsense mediated decay, it is expected to disrupt the last 19 amino acid(s) of the NCF2 protein. This variant is not present in population databases (gnomAD no frequency). This variant has not been reported in the literature in individuals affected with NCF2-related conditions. Experimental studies and prediction algorithms are not available or were not evaluated, and the functional significance of this variant is currently unknown. In summary, the available evidence is currently insufficient to determine the role of this variant in disease. Therefore, it has been classified as a Variant of Uncertain Significance.